The following is an entry in ClinVar:

NM_001330723.2(SNX27):c.601G>A (p.Ala201Thr)

Gene: SNX27 (sorting nexin 27; plus strand). Cytogenetic location: 1q21.3.
Variant type: single nucleotide variant.
Coding change: c.601G>A on transcript NM_001330723.2 (MANE Select); coding-DNA position 601, G replaced by A.
Protein change: p.Ala201Thr; replaces alanine 201 with threonine.
Molecular consequence: missense variant.
Genome position (GRCh38, 1-based): chr1:151,658,292, G>A. VCF-style: chr1-151658292-G-A. GRCh37 (hg19) VCF-style: chr1-151630768-G-A.
Other names: c.601G>A, p.Ala201Thr (NM_030918.6); short protein forms A201T.
Identifiers: ClinVar variation 3727996 (VCV003727996.2).
Genomic context (GRCh38, chr1:151,658,292, plus strand): 5'-CAGGTATATAATGTTTACATGGCAGGGAGGCAGCTGTGTTCTAAGCGGTACCGGGAGTTT[G>A]CTATCCTACACCAGAACCTGAAGAGAGAGTTTGCCAACTTTACATTTCCTCGACTCCCAG-3'
Protein context (NP_001317652.1, residues 191-211): QLCSKRYREF[Ala201Thr]ILHQNLKREF

ClinVar aggregate classification (germline): Uncertain significance (1 of 4 stars; one submission).

Conditions:
Severe myoclonic epilepsy in infancy (DRVT). Also called: Epileptic encephalopathy, early infantile, 6 (Dravet syndrome); Dravet syndrome; SEVERE MYOCLONIC EPILEPSY OF INFANCY; DEVELOPMENTAL AND EPILEPTIC ENCEPHALOPATHY 6A; Severe Myoclonic Epilepsy in Infancy (SMEI). Identifiers: Orphanet 33069, MedGen C0751122, MONDO:0100135, OMIM 607208.

Submission:

Labcorp Genetics (formerly Invitae), Labcorp
Classification: Uncertain significance for Severe myoclonic epilepsy in infancy. Last evaluated: 2024-12-24. Review status: criteria provided, single submitter. Criteria: Invitae Variant Classification Sherloc (09022015). Collection method: clinical testing. Allele origin: germline.
Comment: This sequence change replaces alanine, which is neutral and non-polar, with threonine, which is neutral and polar, at codon 201 of the SNX27 protein (p.Ala201Thr). This variant is not present in population databases (gnomAD no frequency). This variant has not been reported in the literature in individuals affected with SNX27-related conditions. An algorithm developed to predict the effect of missense changes on protein structure and function (PolyPhen-2) suggests that this variant is likely to be tolerated. In summary, the available evidence is currently insufficient to determine the role of this variant in disease. Therefore, it has been classified as a Variant of Uncertain Significance.